The following is an entry in ClinVar:

NM_000297.4(PKD2):c.2163C>T (p.Thr721=)

Gene: PKD2 (polycystin 2, transient receptor potential cation channel; plus strand). Cytogenetic location: 4q22.1.
Variant type: single nucleotide variant.
Coding change: c.2163C>T on transcript NM_000297.4 (MANE Select); coding-DNA position 2163, C replaced by T.
Protein change: p.Thr721=; no amino-acid change (threonine 721 retained).
Molecular consequence: synonymous variant. On other transcripts: non-coding transcript variant (1).
Genome position (GRCh38, 1-based): chr4:88,065,418, C>T. VCF-style: chr4-88065418-C-T. GRCh37 (hg19) VCF-style: chr4-88986570-C-T.
Identifiers: ClinVar variation 3033060 (VCV003033060.3), dbSNP rs559360985, ClinGen allele CA3004151.

ClinVar aggregate classification (germline): Likely benign. Review status: criteria provided, single submitter (1 of 4 stars). 2 submissions from 2 submitters: Likely benign (1). 1 of the submissions does not count toward it. Last evaluated 2025-05-15.

Conditions:
PKD2-related disorder. Also called: PKD2-related condition.
Autosomal dominant polycystic kidney disease. Identifiers: Orphanet 730, MedGen C0085413, MONDO:0004691.

Allele frequency attached by ClinVar (database versions not stated): ExAC 0.00001; gnomAD 0.00001; gnomAD exomes 0.00001; TOPMed 0.00001; 1000 Genomes Project 30x 0.00016; 1000 Genomes Project 0.00020.
gnomAD v4.1: 9 of 1,611,780 alleles (0.00056%); highest among the groups gnomAD compares: East Asian, 0.0089%; no homozygotes.

Submissions (2):

Labcorp Genetics (formerly Invitae), Labcorp
Classification: Likely benign for Autosomal dominant polycystic kidney disease. Last evaluated: 2025-05-15. Review status: criteria provided, single submitter. Criteria: Invitae Variant Classification Sherloc (09022015). Collection method: clinical testing. Allele origin: germline.

PreventionGenetics, part of Exact Sciences
Classification: Likely benign for PKD2-related condition. Last evaluated: 2022-07-26. Review status: no assertion criteria provided. Collection method: clinical testing. Allele origin: germline. Not counted in ClinVar's aggregate classification.
Comment: This variant is classified as likely benign based on ACMG/AMP sequence variant interpretation guidelines (Richards et al. 2015 PMID: 25741868, with internal and published modifications).